The following is an entry in ClinVar:

ClinVar aggregate classification (germline): Pathogenic (1 of 4 stars; one submission).

Conditions:
Allan-Herndon-Dudley syndrome (AHDS). Also called: MENTAL RETARDATION AND MUSCULAR ATROPHY; Passos-Bueno syndrome; ALLAN-HERNDON SYNDROME; T3 RESISTANCE; TRIIODOTHYRONINE RESISTANCE. Identifiers: Orphanet 59, MedGen C0795889, MONDO:0010354, OMIM 300523.

Submission:

Victorian Clinical Genetics Services, Murdoch Childrens Research Institute
Classification: Pathogenic for Allan-Herndon-Dudley syndrome. Last evaluated: 2024-10-09. Review status: criteria provided, single submitter. Criteria: ACMG Guidelines, 2015. Collection method: clinical testing. Allele origin: germline. Inheritance: X-linked recessive inheritance. Affected: yes.
Comment: Based on the classification scheme VCGS_Germline_v1.3.4, this variant is classified as Pathogenic. Following criteria are met: 0102 - Loss of function is a known mechanism of disease in this gene and is associated with Allan-Herndon-Dudley syndrome (MIM#300523). (I) 0109 - This gene is associated with X-linked recessive disease. (I) 0205 - Variant is predicted to result in a truncated protein (premature termination codon is NOT located at least 54 nucleotides upstream of the final exon-exon junction) with less than 1/3 of the protein sequence affected. (SP) 0253 - This variant is hemizygous. (I) 0301 - Variant is absent from gnomAD (both v2 and v3). (SP) 0600 - Variant truncates the annotated major facilitator superfamily domain (DECIPHER). (I) 0701 - Other downstream truncating variants comparable to the one identified in this case have very strong previous evidence for pathogenicity. There are more than four downstream truncating variants reported as pathogenic or likely pathogenic in ClinVar and observed in the literature in individuals with SLC16A2-related features (PMID: 33141165). (SP) 0807 - This variant has no previous evidence of pathogenicity. (I) 0905 - No published segregation evidence has been identified for this variant. (I) 1007 - No published functional evidence has been identified for this variant. (SP) Legend: (SP) - Supporting pathogenic, (I) - Information, (SB) - Supporting benign

Literature cited by the submitters: PubMed 33141165.

NM_006517.5(SLC16A2):c.1341_1347del (p.Ile448fs)

Gene: SLC16A2 (solute carrier family 16 member 2; plus strand). Cytogenetic location: Xq13.2.
Variant type: Deletion.
Coding change: c.1341_1347del on transcript NM_006517.5 (MANE Select); coding-DNA positions 1341 to 1347, 7 bases deleted (CATTGGC; older notation c.1341_1347delCATTGGC).
Protein change: p.Ile448fs; shifts the reading frame from isoleucine 448.
Molecular consequence: frameshift variant.
Genome position (GRCh38, 1-based): chrX:74,529,383-74,529,389, CATTGGC deleted; deleting any 7 consecutive bases within chrX:74,529,380-74,529,389 gives the same sequence; the c. name uses the placement nearest the transcript's 3' end. VCF-style (leftmost placement, unchanged base first): chrX-74529379-AGGCCATT-A. GRCh37 (hg19) VCF-style: chrX-73749214-AGGCCATT-A.
Other names: short protein forms I448fs.
Identifiers: ClinVar variation 3377335 (VCV003377335.1).